The following is an entry in ClinVar:

NM_006642.5(SDCCAG8):c.1975A>G (p.Met659Val)

Gene: SDCCAG8 (SHH signaling and ciliogenesis regulator SDCCAG8; plus strand). Cytogenetic location: 1q43.
Variant type: single nucleotide variant.
Coding change: c.1975A>G on transcript NM_006642.5 (MANE Select); coding-DNA position 1975, A replaced by G.
Protein change: p.Met659Val; replaces methionine 659 with valine.
Molecular consequence: missense variant.
Genome position (GRCh38, 1-based): chr1:243,426,548, A>G. VCF-style: chr1-243426548-A-G. GRCh37 (hg19) VCF-style: chr1-243589850-A-G.
Other names: NC_000001.10:g.243589850A>G; c.1072A>G, p.Met358Val (NM_001350246.2, NM_001350247.2, NM_001350251.2); c.2071A>G, p.Met691Val (NM_001350248.2); c.1681A>G, p.Met561Val (NM_001350249.2); c.1975A>G (NM_006642.3); short protein forms M358V, M659V, M561V, M691V.
Identifiers: ClinVar variation 4397856 (VCV004397856.2).
Genomic context (GRCh38, chr1:243,426,548, plus strand): 5'-CAGAGAAGAAATGAAGAATTGGAGGAACAGTGTGTCCAGCATGGGAGAGTACATGAGACG[A>G]TGAAGCAAAGGTAATCAAGGTTTCATGTCAACTCATGTGCCGCATATTGAATGTGTTTGG-3'
Protein context (NP_006633.1, residues 649-669): CVQHGRVHET[Met659Val]KQRLRQLDKH

ClinVar aggregate classification (germline): Uncertain significance (1 of 4 stars; one submission).

Conditions:
SDCCAG8-related disorder. Also called: SDCCAG8-Related Disorders; SDCCAG8-related condition.

gnomAD v4.1: 2 of 1,614,058 alleles (0.00012%); highest among the groups gnomAD compares: East Asian, 0.0022%; no homozygotes.

Submissions (2):

PreventionGenetics, part of Exact Sciences
Classification: Uncertain significance for SDCCAG8-related condition. Last evaluated: 2026-04-15. Review status: criteria provided, single submitter. Criteria: ACMG Guidelines, 2015. Collection method: clinical testing. Allele origin: germline.
Comment: The SDCCAG8 c.1975A>G variant is predicted to result in the amino acid substitution p.Met659Val. To our knowledge, this variant has not been reported in the literature. This variant is reported in 0.011% of alleles in individuals of East Asian descent in gnomAD. At this time, the clinical significance of this variant is uncertain due to the absence of conclusive functional and genetic evidence.

Dr. Peter K. Rogan Lab, Western University
No classification provided (evidence only). Condition: Sarcoma. Review status: no classification provided. Collection method: in vitro. Allele origin: not applicable. Functional consequence: retained intron. Not counted in ClinVar's aggregate classification.